The following is an entry in ClinVar:

ClinVar aggregate classification (germline): Uncertain significance (1 of 4 stars; one submission).

Submission:

Labcorp Genetics (formerly Invitae), Labcorp
Classification: Uncertain significance. Last evaluated: 2024-10-29. Review status: criteria provided, single submitter. Criteria: Invitae Variant Classification Sherloc (09022015). Collection method: clinical testing. Allele origin: germline.
Comment: This sequence change replaces glycine, which is neutral and non-polar, with arginine, which is basic and polar, at codon 730 of the ABCA3 protein (p.Gly730Arg). This variant is not present in population databases (gnomAD no frequency). This variant has not been reported in the literature in individuals affected with ABCA3-related conditions. Invitae Evidence Modeling of protein sequence and biophysical properties (such as structural, functional, and spatial information, amino acid conservation, physicochemical variation, residue mobility, and thermodynamic stability) indicates that this missense variant is expected to disrupt ABCA3 protein function with a positive predictive value of 80%. In summary, the available evidence is currently insufficient to determine the role of this variant in disease. Therefore, it has been classified as a Variant of Uncertain Significance.

NM_001089.3(ABCA3):c.2188G>A (p.Gly730Arg)

Gene: ABCA3 (ATP binding cassette subfamily A member 3; minus strand). Cytogenetic location: 16p13.3.
Variant type: single nucleotide variant.
Coding change: c.2188G>A on transcript NM_001089.3 (MANE Select); coding-DNA position 2188, G replaced by A.
Protein change: p.Gly730Arg; replaces glycine 730 with arginine.
Molecular consequence: missense variant.
Genome position (GRCh38, 1-based): chr16:2,297,404, C>T on the plus strand (G>A on the coding strand, the complement: ABCA3 is on the minus strand). VCF-style: chr16-2297404-C-T. GRCh37 (hg19) VCF-style: chr16-2347405-C-T.
Other names: short protein forms G730R.
Identifiers: ClinVar variation 2865231 (VCV002865231.3), dbSNP rs2505639882, ClinGen allele CA394330719.